The following is an entry in ClinVar:

ClinVar aggregate classification (germline): Uncertain significance (1 of 4 stars; one submission).

Submission:

Ambry Genetics
Classification: Uncertain significance. Last evaluated: 2024-07-01. Review status: criteria provided, single submitter. Criteria: Ambry Variant Classification Scheme 2023. Collection method: clinical testing. Allele origin: germline.
Comment: The p.R272G variant (also known as c.814C>G), located in coding exon 1 of the PALLD gene, results from a C to G substitution at nucleotide position 814. The arginine at codon 272 is replaced by glycine, an amino acid with dissimilar properties. This amino acid position is conserved. In addition, this alteration is predicted to be tolerated by in silico analysis. Based on the available evidence, the clinical significance of this variant remains unclear.

NM_001166108.2(PALLD):c.814C>G (p.Arg272Gly)

Gene: PALLD (palladin, cytoskeletal associated protein; plus strand). Cytogenetic location: 4q32.3.
Variant type: single nucleotide variant.
Coding change: c.814C>G on transcript NM_001166108.2 (MANE Select); coding-DNA position 814, C replaced by G.
Protein change: p.Arg272Gly; replaces arginine 272 with glycine.
Molecular consequence: missense variant.
Genome position (GRCh38, 1-based): chr4:168,512,318, C>G. VCF-style: chr4-168512318-C-G. GRCh37 (hg19) VCF-style: chr4-169433469-C-G.
Other names: c.814C>G, p.Arg272Gly (NM_016081.4); short protein forms R272G.
Identifiers: ClinVar variation 3413559 (VCV003413559.1).